The following is an entry in ClinVar:

ClinVar aggregate classification (germline): Uncertain significance (1 of 4 stars; one submission).

Allele frequency attached by ClinVar (database versions not stated): gnomAD exomes below 0.00001; ExAC 0.00001.
gnomAD v4.1: 1 of 1,614,086 alleles (0.000062%); highest among the groups gnomAD compares: East Asian, 0.0022%; no homozygotes.

Submission:

Labcorp Genetics (formerly Invitae), Labcorp
Classification: Uncertain significance. Last evaluated: 2023-04-12. Review status: criteria provided, single submitter. Criteria: Invitae Variant Classification Sherloc (09022015). Collection method: clinical testing. Allele origin: germline.
Comment: This sequence change replaces arginine, which is basic and polar, with glycine, which is neutral and non-polar, at codon 246 of the SLC10A2 protein (p.Arg246Gly). This variant is present in population databases (rs199714472, gnomAD 0.006%). This variant has not been reported in the literature in individuals affected with SLC10A2-related conditions. Advanced modeling of protein sequence and biophysical properties (such as structural, functional, and spatial information, amino acid conservation, physicochemical variation, residue mobility, and thermodynamic stability) performed at Invitae indicates that this missense variant is not expected to disrupt SLC10A2 protein function. In summary, the available evidence is currently insufficient to determine the role of this variant in disease. Therefore, it has been classified as a Variant of Uncertain Significance.

NM_000452.3(SLC10A2):c.736A>G (p.Arg246Gly)

Gene: SLC10A2 (solute carrier family 10 member 2; minus strand). Cytogenetic location: 13q33.1.
Variant type: single nucleotide variant.
Coding change: c.736A>G on transcript NM_000452.3 (MANE Select); coding-DNA position 736, A replaced by G.
Protein change: p.Arg246Gly; replaces arginine 246 with glycine.
Molecular consequence: missense variant.
Genome position (GRCh38, 1-based): chr13:103,051,282, T>C on the plus strand (A>G on the coding strand, the complement: SLC10A2 is on the minus strand). VCF-style: chr13-103051282-T-C. GRCh37 (hg19) VCF-style: chr13-103703632-T-C.
Other names: short protein forms R246G.
Identifiers: ClinVar variation 2781593 (VCV002781593.3), dbSNP rs199714472, ClinGen allele CA7042078.